The following is an entry in ClinVar:

ClinVar aggregate classification (germline): Conflicting classifications of pathogenicity. Review status: criteria provided, conflicting classifications (1 of 4 stars). 2 submissions from 2 submitters: Uncertain significance (1); Likely benign (1). Last evaluated 2023-03-23.

Conditions:
Hereditary cancer-predisposing syndrome. Also called: Hereditary Cancer Syndrome; Hereditary neoplastic syndrome; Neoplastic Syndromes, Hereditary; Tumor predisposition. Identifiers: Orphanet 140162, MedGen C0027672, MeSH D009386, MONDO:0015356.

Submissions (2):

University of Washington Department of Laboratory Medicine, University of Washington
Classification: Likely benign for Hereditary cancer-predisposing syndrome. Last evaluated: 2023-03-23. Review status: criteria provided, single submitter. Criteria: Dines et al. (Genet Med. 2020). Collection method: curation. Allele origin: germline.
Comment: Missense variant in a coldspot region where missense variants are very unlikely to be pathogenic (PMID:31911673).

BRCA2 exon 11 coldspot. Reclassification based on statistical prior probability.

Ambry Genetics
Classification: Uncertain significance for Hereditary cancer-predisposing syndrome. Last evaluated: 2020-03-14. Review status: criteria provided, single submitter. Criteria: Ambry Variant Classification Scheme 2023. Collection method: clinical testing. Allele origin: germline.
Comment: The p.I2033L variant (also known as c.6097A>T), located in coding exon 10 of the BRCA2 gene, results from an A to T substitution at nucleotide position 6097. The isoleucine at codon 2033 is replaced by leucine, an amino acid with highly similar properties. This amino acid position is not well conserved in available vertebrate species. In addition, this alteration is predicted to be tolerated by in silico analysis. Since supporting evidence is limited at this time, the clinical significance of this alteration remains unclear.

NM_000059.4(BRCA2):c.6097A>T (p.Ile2033Leu)

Gene: BRCA2 (BRCA2 DNA repair associated; plus strand). Cytogenetic location: 13q13.1.
Variant type: single nucleotide variant.
Coding change: c.6097A>T on transcript NM_000059.4 (MANE Select); coding-DNA position 6097, A replaced by T.
Protein change: p.Ile2033Leu; replaces isoleucine 2033 with leucine.
Molecular consequence: missense variant.
Genome position (GRCh38, 1-based): chr13:32,340,452, A>T. VCF-style: chr13-32340452-A-T. GRCh37 (hg19) VCF-style: chr13-32914589-A-T.
Other names: c.6097A>T, p.Ile2033Leu (NM_001406719.1, NM_001406720.1); short protein forms I2033L.
Identifiers: ClinVar variation 1751532 (VCV001751532.4), dbSNP rs772846629, ClinGen allele CA387788080.
Genomic context (GRCh38, chr13:32,340,452, plus strand): 5'-AAAGTATTGTTTAAAAGTAACGAACATTCAGACCAGCTCACAAGAGAAGAAAATACTGCT[A>T]TACGTACTCCAGAACATTTAATATCCCAAAAAGGCTTTTCATATAATGTGGTAAATTCAT-3'
Protein context (NP_000050.3, residues 2023-2043): DQLTREENTA[Ile2033Leu]RTPEHLISQK